The following is an entry in ClinVar:

NM_005720.4(ARPC1B):c.156C>T (p.Asn52=)

Gene: ARPC1B (actin related protein 2/3 complex subunit 1B; plus strand). Cytogenetic location: 7q22.1.
Variant type: single nucleotide variant.
Coding change: c.156C>T on transcript NM_005720.4 (MANE Select); coding-DNA position 156, C replaced by T.
Protein change: p.Asn52=; no amino-acid change (asparagine 52 retained).
Molecular consequence: synonymous variant.
Genome position (GRCh38, 1-based): chr7:99,386,776, C>T. VCF-style: chr7-99386776-C-T. GRCh37 (hg19) VCF-style: chr7-98984399-C-T.
Other names: p.Asn52=.
Identifiers: ClinVar variation 1170234 (VCV001170234.14), dbSNP rs4765, ClinGen allele CA4363913.

ClinVar aggregate classification (germline): Benign/Likely benign. Review status: criteria provided, multiple submitters, no conflicts (2 of 4 stars). 5 submissions from 5 submitters: Benign (4); Likely benign (1). Last evaluated 2026-02-04.

Allele frequency attached by ClinVar (database versions not stated): gnomAD exomes 0.07767 and 0.10604; ExAC 0.11346; gnomAD 0.22267 and 0.23492; 1000 Genomes Project 0.23143; ESP Exome Variant Server 0.23858; TOPMed 0.24032; 1000 Genomes Project 30x 0.24219.
gnomAD v4.1: 148,657 of 1,612,940 alleles (9.2%); highest among the groups gnomAD compares: African/African-American, 61%; 18,336 homozygotes.

Submissions (5):

Labcorp Genetics (formerly Invitae), Labcorp
Classification: Benign. Last evaluated: 2026-02-04. Review status: criteria provided, single submitter. Criteria: Invitae Variant Classification Sherloc (09022015). Collection method: clinical testing. Allele origin: germline.

Blueprint Genetics
Classification: Likely benign. Last evaluated: 2024-11-27. Review status: criteria provided, single submitter. Criteria: ACMG Guidelines, 2015. Collection method: clinical testing. Allele origin: germline.

Unidad de Genómica Garrahan, Hospital de Pediatría Garrahan
Classification: Benign. Last evaluated: 2024-01-24. Review status: criteria provided, single submitter. Criteria: ACMG Guidelines, 2015. Collection method: clinical testing. Allele origin: germline. Affected: no. Observed: 20 variant alleles.
Comment: This variant is classified as Benign based on local population frequency. This variant was detected in 21% of patients studied by a panel of primary immunodeficiencies. Number of patients: 20. Only high quality variants are reported.

Mayo Clinic Laboratories, Mayo Clinic
Classification: Benign. Last evaluated: 2022-09-29. Review status: criteria provided, single submitter. Criteria: ACMG Guidelines, 2015. Collection method: clinical testing. Allele origin: germline. Observed: 279 variant alleles.

Breakthrough Genomics
Classification: Benign. Review status: criteria provided, single submitter. Criteria: ACMG Guidelines, 2015. Collection method: not provided. Allele origin: germline. Inheritance: Autosomal recessive inheritance. Affected: yes.